The following is an entry in ClinVar:

NM_004958.4(MTOR):c.2296C>T (p.Arg766Ter)

Gene: MTOR (mechanistic target of rapamycin kinase; minus strand). Cytogenetic location: 1p36.22.
Variant type: single nucleotide variant.
Coding change: c.2296C>T on transcript NM_004958.4 (MANE Select); coding-DNA position 2296, C replaced by T.
Protein change: p.Arg766Ter; replaces arginine 766 with a stop codon.
Molecular consequence: nonsense.
Genome position (GRCh38, 1-based): chr1:11,234,178, G>A on the plus strand (C>T on the coding strand, the complement: MTOR is on the minus strand). VCF-style: chr1-11234178-G-A. GRCh37 (hg19) VCF-style: chr1-11294235-G-A.
Other names: c.2296C>T, p.Arg766Ter (NM_001386500.1); c.1048C>T, p.Arg350Ter (NM_001386501.1); short protein forms R350*, R766*.
Identifiers: ClinVar variation 2901631 (VCV002901631.3), dbSNP rs951016084, ClinGen allele CA17936921.

ClinVar aggregate classification (germline): Uncertain significance (1 of 4 stars; one submission).

gnomAD v4.1: 1 of 1,614,066 alleles (0.000062%); highest among the groups gnomAD compares: Non-Finnish European, 0.000085%; no homozygotes.

Submission:

Labcorp Genetics (formerly Invitae), Labcorp
Classification: Uncertain significance. Last evaluated: 2023-05-22. Review status: criteria provided, single submitter. Criteria: Invitae Variant Classification Sherloc (09022015). Collection method: clinical testing. Allele origin: germline.
Comment: This sequence change creates a premature translational stop signal (p.Arg766*) in the MTOR gene. It is expected to result in an absent or disrupted protein product. However, the current clinical and genetic evidence is not sufficient to establish whether loss-of-function variants in MTOR cause disease. In summary, the available evidence is currently insufficient to determine the role of this variant in disease. Therefore, it has been classified as a Variant of Uncertain Significance. This variant has not been reported in the literature in individuals affected with MTOR-related conditions. This variant is present in population databases (no rsID available, gnomAD 0.0009%).